The following is an entry in ClinVar:

NM_005732.4(RAD50):c.2026G>C (p.Glu676Gln)

Gene: RAD50 (RAD50 double strand break repair protein; plus strand). Cytogenetic location: 5q31.1.
Variant type: single nucleotide variant.
Coding change: c.2026G>C on transcript NM_005732.4 (MANE Select); coding-DNA position 2026, G replaced by C.
Protein change: p.Glu676Gln; replaces glutamic acid 676 with glutamine.
Molecular consequence: missense variant.
Genome position (GRCh38, 1-based): chr5:132,595,629, G>C. VCF-style: chr5-132595629-G-C. GRCh37 (hg19) VCF-style: chr5-131931321-G-C.
Other names: short protein forms E676Q.
Identifiers: ClinVar variation 583351 (VCV000583351.9), dbSNP rs773761143, ClinGen allele CA360949427.

ClinVar aggregate classification (germline): Uncertain significance (1 of 4 stars; one submission).

Conditions:
Hereditary cancer-predisposing syndrome. Also called: Neoplastic Syndromes, Hereditary; Hereditary Cancer Syndrome; Tumor predisposition; Hereditary neoplastic syndrome. Identifiers: Orphanet 140162, MedGen C0027672, MeSH D009386, MONDO:0015356.

Submission:

Labcorp Genetics (formerly Invitae), Labcorp
Classification: Uncertain significance for Hereditary cancer-predisposing syndrome. Last evaluated: 2018-03-17. Review status: criteria provided, single submitter. Criteria: Invitae Variant Classification Sherloc (09022015). Collection method: clinical testing. Allele origin: germline.
Comment: In summary, the available evidence is currently insufficient to determine the role of this variant in disease. Therefore, it has been classified as a Variant of Uncertain Significance. Algorithms developed to predict the effect of missense changes on protein structure and function do not agree on the potential impact of this missense change (SIFT: "Tolerated"; PolyPhen-2: "Possibly Damaging"; Align-GVGD: "Class C0"). This variant has not been reported in the literature in individuals with RAD50-related disease. This variant is not present in population databases (ExAC no frequency). This sequence change replaces glutamic acid with glutamine at codon 676 of the RAD50 protein (p.Glu676Gln). The glutamic acid residue is moderately conserved and there is a small physicochemical difference between glutamic acid and glutamine.